The following is an entry in ClinVar:

ClinVar aggregate classification (germline): Benign (1 of 4 stars; one submission).

gnomAD v4.1: 655 of 1,597,012 alleles (0.041%); highest among the groups gnomAD compares: African/African-American, 0.76%; 2 homozygotes.

Submission:

Molecular Diagnostic Laboratory for Inherited Cardiovascular Disease, Montreal Heart Institute
Classification: Benign. Last evaluated: 2026-09-21. Review status: criteria provided, single submitter. Criteria: ACMG Guidelines, 2015. Collection method: clinical testing. Allele origin: germline. Affected: no.
Comment: BP7

NM_006663.4(PPP1R13L):c.957C>T (p.Ala319=)

Gene: PPP1R13L (protein phosphatase 1 regulatory subunit 13 like; minus strand). Cytogenetic location: 19q13.32.
Variant type: single nucleotide variant.
Coding change: c.957C>T on transcript NM_006663.4 (MANE Select); coding-DNA position 957, C replaced by T.
Protein change: p.Ala319=; no amino-acid change (alanine 319 retained).
Molecular consequence: synonymous variant.
Genome position (GRCh38, 1-based): chr19:45,395,833, G>A on the plus strand (C>T on the coding strand, the complement: PPP1R13L is on the minus strand). VCF-style: chr19-45395833-G-A. GRCh37 (hg19) VCF-style: chr19-45899091-G-A.
Other names: c.957C>T, p.Ala319= (NM_001142502.2).
Identifiers: ClinVar variation 5037904 (VCV005037904.1), dbSNP rs375782714.
Genomic context (GRCh38, chr19:45,395,833, plus strand): 5'-CGACGGCCCCGCGGAGCCCAGCGAGCGCCGGTAGCTGCCCGCGTCTGAACGCCGGTCGCT[G>A]GCCAGAGGAGAGACCTTGTAATTGCGCGGCAGGGTGGCGCTAGTGAGGTTGTCCTGGGGA-3'
Protein context (NP_006654.2, residues 309-329): LPRNYKVSPL[Ala319=]SDRRSDAGSY